The following is an entry in ClinVar:

NM_001267550.2(TTN):c.105122C>T (p.Ser35041Phe)

Genes: TTN (titin; minus strand), TTN-AS1 (TTN antisense RNA 1; plus strand). Cytogenetic location: 2q31.2.
Variant type: single nucleotide variant.
Coding change: c.105122C>T on transcript NM_001267550.2 (MANE Select); coding-DNA position 105122, C replaced by T.
Protein change: p.Ser35041Phe; replaces serine 35041 with phenylalanine.
Molecular consequence: missense variant.
Genome position (GRCh38, 1-based): chr2:178,531,493, G>A on the plus strand (C>T on the coding strand, the complement: TTN is on the minus strand). VCF-style: chr2-178531493-G-A. GRCh37 (hg19) VCF-style: chr2-179396220-G-A.
Other names: c.100199C>T, p.Ser33400Phe (NM_001256850.1); c.77927C>T, p.Ser25976Phe (NM_003319.4); c.97418C>T, p.Ser32473Phe (NM_133378.4); c.78302C>T, p.Ser26101Phe (NM_133432.3); c.78503C>T, p.Ser26168Phe (NM_133437.4); short protein forms S26101F, S32473F, S33400F, S26168F, S25976F, S35041F.
Identifiers: ClinVar variation 1760645 (VCV001760645.2), dbSNP rs2468411967, ClinGen allele CA349409440.
Genomic context (GRCh38, chr2:178,531,493, plus strand): 5'-GCCTCTGTTCTTGTCAGCTCAGGGAAAACAGATCTGGGGACCTCTTCATCTCTGCGTTGG[G>A]AAGCATAGGTGGTATAATCCCCTCCTGTCACGTCCAACGTTGCATAGTCAGAAGCTTCGC-3'
Protein context (NP_001254479.2, residues 35031-35051): VTGGDYTTYA[Ser35041Phe]QRRDEEVPRS

ClinVar aggregate classification (germline): Uncertain significance (1 of 4 stars; one submission).

Conditions:
Cardiovascular phenotype. Identifiers: MedGen CN230736.

Submission:

Ambry Genetics
Classification: Uncertain significance for Cardiovascular phenotype. Last evaluated: 2020-03-17. Review status: criteria provided, single submitter. Criteria: Ambry Variant Classification Scheme 2023. Collection method: clinical testing. Allele origin: germline.
Comment: The p.S25976F variant (also known as c.77927C>T), located in coding exon 185 of the TTN gene, results from a C to T substitution at nucleotide position 77927. The serine at codon 25976 is replaced by phenylalanine, an amino acid with highly dissimilar properties. This amino acid position is highly conserved in available vertebrate species. In addition, the in silico prediction for this alteration is inconclusive. Since supporting evidence is limited at this time, the clinical significance of this alteration remains unclear.